The following is an entry in ClinVar:

ClinVar aggregate classification (germline): Uncertain significance (1 of 4 stars; one submission).

gnomAD v4.1: 31 of 1,380,312 alleles (0.0022%); highest among the groups gnomAD compares: South Asian, 0.015%; no homozygotes.

Submission:

GeneDx
Classification: Uncertain significance. Last evaluated: 2024-12-20. Review status: criteria provided, single submitter. Criteria: GeneDx Variant Classification Process June 2021. Collection method: clinical testing. Allele origin: germline. Affected: yes.
Comment: In silico analysis indicates that this missense variant does not alter protein structure/function; Has not been previously published as pathogenic or benign to our knowledge

NM_001009944.3(PKD1):c.1061C>T (p.Ala354Val)

Gene: PKD1 (polycystin 1, transient receptor potential channel interacting; minus strand). Cytogenetic location: 16p13.3.
Variant type: single nucleotide variant.
Coding change: c.1061C>T on transcript NM_001009944.3 (MANE Select); coding-DNA position 1061, C replaced by T.
Protein change: p.Ala354Val; replaces alanine 354 with valine.
Molecular consequence: missense variant.
Genome position (GRCh38, 1-based): chr16:2,117,931, G>A on the plus strand (C>T on the coding strand, the complement: PKD1 is on the minus strand). VCF-style: chr16-2117931-G-A. GRCh37 (hg19) VCF-style: chr16-2167932-G-A.
Other names: c.1061C>T, p.Ala354Val (NM_000296.4); short protein forms A354V.
Identifiers: ClinVar variation 3906302 (VCV003906302.1).